The following is an entry in ClinVar:

NM_001042492.3(NF1):c.4378C>T (p.His1460Tyr)

Gene: NF1 (neurofibromin 1; plus strand). Cytogenetic location: 17q11.2.
Variant type: single nucleotide variant.
Coding change: c.4378C>T on transcript NM_001042492.3 (MANE Select); coding-DNA position 4378, C replaced by T.
Protein change: p.His1460Tyr; replaces histidine 1460 with tyrosine.
Molecular consequence: missense variant.
Genome position (GRCh38, 1-based): chr17:31,259,077, C>T. VCF-style: chr17-31259077-C-T. GRCh37 (hg19) VCF-style: chr17-29586095-C-T.
Other names: c.4315C>T, p.His1439Tyr (NM_000267.4); short protein forms H1439Y, H1460Y.
Identifiers: ClinVar variation 232783 (VCV000232783.13), dbSNP rs377295676, ClinGen allele CA8486400.

ClinVar aggregate classification (germline): Conflicting classifications of pathogenicity. Review status: criteria provided, conflicting classifications (1 of 4 stars). 4 submissions from 4 submitters: Uncertain significance (3); Benign (1). Last evaluated 2025-12-16.

Conditions:
Hereditary cancer-predisposing syndrome. Also called: Hereditary Cancer Syndrome; Neoplastic Syndromes, Hereditary; Tumor predisposition; Hereditary neoplastic syndrome. Identifiers: Orphanet 140162, MedGen C0027672, MeSH D009386, MONDO:0015356.
Neurofibromatosis, type 1 (NF1). Also called: Neurofibromatosis, type I; VON RECKLINGHAUSEN DISEASE; NEUROFIBROMATOSIS, TYPE I, SOMATIC; Peripheral type neurofibromatosis. Identifiers: Orphanet 636, MedGen C0027831, MONDO:0018975, OMIM 162200. Disease mechanism: loss of function.

Allele frequency attached by ClinVar (database versions not stated): gnomAD exomes below 0.00001; ExAC 0.00001; ESP Exome Variant Server 0.00008.
gnomAD v4.1: 6 of 1,604,896 alleles (0.00037%); highest among the groups gnomAD compares: Non-Finnish European, 0.00051%; no homozygotes.

Submissions (4):

Labcorp Genetics (formerly Invitae), Labcorp
Classification: Benign for Neurofibromatosis, type 1. Last evaluated: 2025-12-16. Review status: criteria provided, single submitter. Criteria: Invitae Variant Classification Sherloc (09022015). Collection method: clinical testing. Allele origin: germline.

Genome-Nilou Lab
Classification: Uncertain significance for Neurofibromatosis, type 1. Last evaluated: 2022-03-15. Review status: criteria provided, single submitter. Criteria: ACMG Guidelines, 2015. Collection method: clinical testing. Allele origin: germline. Affected: no.

GeneDx
Classification: Uncertain significance. Last evaluated: 2021-05-17. Review status: criteria provided, single submitter. Criteria: GeneDx Variant Classification Process June 2021. Collection method: clinical testing. Allele origin: germline. Affected: yes.
Comment: In silico analysis supports that this missense variant has a deleterious effect on protein structure/function; Has not been previously published as pathogenic or benign to our knowledge

Ambry Genetics
Classification: Uncertain significance for Hereditary cancer-predisposing syndrome. Last evaluated: 2015-07-14. Review status: criteria provided, single submitter. Criteria: Ambry Autosomal Dominant and X-Linked criteria (10/2015). Collection method: clinical testing. Allele origin: germline. Observed: 1 variant allele.
Comment: The p.H1460Y variant (also known as c.4378C>T), located in coding exon 33 of the NF1 gene, results from a C to T substitution at nucleotide position 4378. The histidine at codon 1460 is replaced by tyrosine, an amino acid with similar properties. This variant was previously reported in the SNPDatabase as rs377295676. Based on data from the NHLBI Exome Sequencing Project (ESP), the T allele has an overall frequency of approximately 0.01% (1/13004) total alleles studied and 0.01% (1/8600) European American alleles. <span style="font-family:arial,sans-serif; font-size:9pt">This variant was not reported in the 1000 Genomes Project population-based cohort.To date, this alteration has been detected with an allele frequency of approximately 0.002% (greater than 55,000 alleles tested) in our clinical cohort.This amino acid position is well conserved in available vertebrate species, however tyrosine is the reference amino acid in three species. In addition, the in silico prediction for this alteration is inconclusive.Since supporting evidence is limited at this time, the clinical significance of p.H1460Y remains unclear.